The following is an entry in ClinVar:

ClinVar aggregate classification (germline): Uncertain significance. Review status: criteria provided, multiple submitters, no conflicts (2 of 4 stars). 3 submissions from 3 submitters: Uncertain significance (3). Last evaluated 2022-06-16.

Conditions:
Frasier syndrome. Identifiers: Orphanet 347, MedGen C0950122, MeSH D052159, MONDO:0007635, OMIM 136680.
Drash syndrome (DDS). Also called: WILMS TUMOR AND PSEUDO- OR TRUE HERMAPHRODITISM; NEPHROPATHY, WILMS TUMOR, AND GENITAL ANOMALIES. Identifiers: Orphanet 220, MedGen C0950121, MONDO:0008682, OMIM 194080.
Wilms tumor 1 (WT1). Also called: Wilms tumor, somatic. Identifiers: Orphanet 654, MedGen CN033288, MONDO:0008679, OMIM 194070.
11p partial monosomy syndrome (WAGR). Also called: WAGR syndrome; WAGR Complex; CHROMOSOME 11p13 DELETION SYNDROME; WAGR Spectrum Disorder. Identifiers: Orphanet 893, MedGen C0206115, MONDO:0008681, OMIM 194072.

Submissions (3):

GeneDx
Classification: Uncertain significance. Last evaluated: 2022-06-16. Review status: criteria provided, single submitter. Criteria: GeneDx Variant Classification Process June 2021. Collection method: clinical testing. Allele origin: germline. Affected: yes.
Comment: Not observed at significant frequency in large population cohorts (gnomAD); In silico analysis supports that this missense variant does not alter protein structure/function; Has not been previously published as pathogenic or benign to our knowledge; This variant is associated with the following publications: (PMID: 8486616)

Labcorp Genetics (formerly Invitae), Labcorp
Classification: Uncertain significance for Wilms tumor 1; Drash syndrome; 11p partial monosomy syndrome; Frasier syndrome. Last evaluated: 2022-04-13. Review status: criteria provided, single submitter. Criteria: Invitae Variant Classification Sherloc (09022015). Collection method: clinical testing. Allele origin: germline.
Comment: This sequence change replaces valine, which is neutral and non-polar, with alanine, which is neutral and non-polar, at codon 162 of the WT1 protein (p.Val162Ala). In summary, the available evidence is currently insufficient to determine the role of this variant in disease. Therefore, it has been classified as a Variant of Uncertain Significance. Algorithms developed to predict the effect of missense changes on protein structure and function are either unavailable or do not agree on the potential impact of this missense change (SIFT: "Deleterious"; PolyPhen-2: "Benign"; Align-GVGD: "Class C25"). This variant has not been reported in the literature in individuals affected with WT1-related conditions. This variant is not present in population databases (gnomAD no frequency).

Blueprint Genetics
Classification: Uncertain significance. Last evaluated: 2019-04-12. Review status: criteria provided, single submitter. Criteria: ACMG Guidelines, 2015. Collection method: clinical testing. Allele origin: germline.

NM_024426.6(WT1):c.500T>C (p.Val167Ala)

Genes: WT1 (WT1 transcription factor; minus strand), LOC107982234 (WT1/WT1-AS bi-directional promoter region; plus strand). Cytogenetic location: 11p13.
Variant type: single nucleotide variant.
Coding change: c.500T>C on transcript NM_024426.6 (MANE Select); coding-DNA position 500, T replaced by C.
Protein change: p.Val167Ala; replaces valine 167 with alanine.
Molecular consequence: missense variant. On other transcripts: non-coding transcript variant (1).
Genome position (GRCh38, 1-based): chr11:32,434,861, A>G on the plus strand (T>C on the coding strand, the complement: WT1 is on the minus strand). VCF-style: chr11-32434861-A-G. GRCh37 (hg19) VCF-style: chr11-32456407-A-G.
Other names: c.500T>C, p.Val167Ala (NM_000378.6, NM_001407044.1, NM_001407045.1 and 6 more transcripts); c.485T>C, p.Val162Ala (NM_024425.2); short protein forms V162A, V167A.
Identifiers: ClinVar variation 1804378 (VCV001804378.7), dbSNP rs1853443391, ClinGen allele CA379964865.